The following is an entry in ClinVar:

ClinVar aggregate classification (germline): Uncertain significance (1 of 4 stars; one submission).

gnomAD v4.1: 3 of 1,614,256 alleles (0.00019%); highest among the groups gnomAD compares: Non-Finnish European, 0.00025%; no homozygotes.

Submission:

Labcorp Genetics (formerly Invitae), Labcorp
Classification: Uncertain significance. Last evaluated: 2024-02-05. Review status: criteria provided, single submitter. Criteria: Invitae Variant Classification Sherloc (09022015). Collection method: clinical testing. Allele origin: germline.
Comment: This sequence change replaces glycine, which is neutral and non-polar, with arginine, which is basic and polar, at codon 336 of the UMOD protein (p.Gly336Arg). This variant is not present in population databases (gnomAD no frequency). This variant has not been reported in the literature in individuals affected with UMOD-related conditions. Advanced modeling of protein sequence and biophysical properties (such as structural, functional, and spatial information, amino acid conservation, physicochemical variation, residue mobility, and thermodynamic stability) has been performed at Invitae for this missense variant, however the output from this modeling did not meet the statistical confidence thresholds required to predict the impact of this variant on UMOD protein function. In summary, the available evidence is currently insufficient to determine the role of this variant in disease. Therefore, it has been classified as a Variant of Uncertain Significance.

NM_003361.4(UMOD):c.1006G>A (p.Gly336Arg)

Gene: UMOD (uromodulin; minus strand). Cytogenetic location: 16p12.3.
Variant type: single nucleotide variant.
Coding change: c.1006G>A on transcript NM_003361.4 (MANE Select); coding-DNA position 1006, G replaced by A.
Protein change: p.Gly336Arg; replaces glycine 336 with arginine.
Molecular consequence: missense variant. On other transcripts: non-coding transcript variant (1).
Genome position (GRCh38, 1-based): chr16:20,346,302, C>T on the plus strand (G>A on the coding strand, the complement: UMOD is on the minus strand). VCF-style: chr16-20346302-C-T. GRCh37 (hg19) VCF-style: chr16-20357624-C-T.
Other names: c.1006G>A, p.Gly336Arg (NM_001008389.3, NM_001378232.1, NM_001378233.1 and 3 more transcripts); c.1105G>A, p.Gly369Arg (NM_001278614.2); short protein forms G369R, G336R.
Identifiers: ClinVar variation 3681590 (VCV003681590.2).